The following is an entry in ClinVar:

ClinVar aggregate classification (germline): not provided (0 of 4 stars; one submission).

Conditions:
Familial long QT syndrome (RWS). Also called: Congenital long QT syndrome; Romano-Ward syndrome; VENTRICULAR FIBRILLATION WITH PROLONGED QT INTERVAL. Identifiers: Orphanet 768, MedGen C1141890, MONDO:0019171.

Submission:

Cardiovascular Biomedical Research Unit, Royal Brompton & Harefield NHS Foundation Trust
No classification provided. Condition: Familial long QT syndrome. Review status: no classification provided. Collection method: literature only. Allele origin: germline.
Comment: This variant has been reported as associated with Long QT syndrome in the following publications (PMID:19716085). This is a literature report, and does not necessarily reflect the clinical interpretation of the Imperial College / Royal Brompton Cardiovascular Genetics laboratory.

Literature cited by the submitters: PubMed 19716085; PubMed 22581653.

NM_000238.4(KCNH2):c.1750G>C (p.Gly584Arg)

Gene: KCNH2 (potassium voltage-gated channel subfamily H member 2; minus strand). Cytogenetic location: 7q36.1.
Variant type: single nucleotide variant.
Coding change: c.1750G>C on transcript NM_000238.4 (MANE Select); coding-DNA position 1750, G replaced by C.
Protein change: p.Gly584Arg; replaces glycine 584 with arginine.
Molecular consequence: missense variant.
Genome position (GRCh38, 1-based): chr7:150,951,643, C>G on the plus strand (G>C on the coding strand, the complement: KCNH2 is on the minus strand). VCF-style: chr7-150951643-C-G. GRCh37 (hg19) VCF-style: chr7-150648731-C-G.
Other names: c.1750G>C (LRG_288t1); c.730G>C, p.Gly244Arg (NM_001204798.2, NM_172057.3); c.1462G>C, p.Gly488Arg (NM_001406753.1, NM_001406756.1); c.1573G>C, p.Gly525Arg (NM_001406755.1); c.1450G>C, p.Gly484Arg (NM_001406757.1); c.1750G>C, p.Gly584Arg (NM_172056.3); short protein forms G244R, G584R, G525R, G484R, G488R.
Identifiers: ClinVar variation 67262 (VCV000067262.3), dbSNP rs199473428, ClinGen allele CA005380.